The following is an entry in ClinVar:

ClinVar aggregate classification (germline): Uncertain significance. Review status: criteria provided, multiple submitters, no conflicts (2 of 4 stars). 4 submissions from 4 submitters: Uncertain significance (4). Last evaluated 2026-06-01.

Conditions:
Hypertrophic cardiomyopathy 9. Also called: Familial hypertrophic cardiomyopathy 9. Identifiers: MedGen C1861065, MONDO:0013412, OMIM 613765.
Autosomal recessive limb-girdle muscular dystrophy type 2J (LGMDR10). Also called: MUSCULAR DYSTROPHY, LIMB-GIRDLE, AUTOSOMAL RECESSIVE 10; Limb-girdle muscular dystrophy, type 2J. Identifiers: Orphanet 140922, MedGen C1837342, MONDO:0012127, OMIM 608807.
Tibial muscular dystrophy (TMD). Also called: UDD MYOPATHY; Udd Distal Myopathy – Tibial Muscular Dystrophy; Tibial muscular dystrophy, tardive. Identifiers: Orphanet 609, MedGen C1838244, MONDO:0010870, OMIM 600334.
Early-onset myopathy with fatal cardiomyopathy (CMYO5). Also called: CONGENITAL MYOPATHY 5 WITH CARDIOMYOPATHY; Salih Myopathy. Identifiers: Orphanet 289377, MedGen C2673677, MONDO:0012714, OMIM 611705. Disease mechanism: loss of function.
Myopathy, myofibrillar, 9, with early respiratory failure (MFM9). Also called: Myopathy, distal, with early respiratory failure, autosomal dominant; MYOPATHY, PROXIMAL, WITH EARLY RESPIRATORY MUSCLE INVOLVEMENT; Hereditary myopathy with early respiratory failure; EDSTROM MYOPATHY. Identifiers: Orphanet 178464, Orphanet 34521, MedGen C1863599, MONDO:0011362, OMIM 603689.
Dilated cardiomyopathy 1G (CMD1G). Identifiers: Orphanet 154, MedGen C1858763, MONDO:0011400, OMIM 604145.

Allele frequency attached by ClinVar (database versions not stated): gnomAD exomes 0.00001 and 0.00002; TOPMed 0.00004; gnomAD 0.00001.

Submissions (4):

CeGaT Center for Human Genetics Tuebingen
Classification: Uncertain significance. Last evaluated: 2026-06-01. Review status: criteria provided, single submitter. Criteria: CeGaT Center For Human Genetics Tuebingen Variant Classification Criteria Version 2. Collection method: clinical testing. Allele origin: germline. Affected: yes. Observed: 1 variant allele.
Comment: TTN: PM2

Fulgent Genetics
Classification: Uncertain significance for Tibial muscular dystrophy; Myopathy, myofibrillar, 9, with early respiratory failure; Dilated cardiomyopathy 1G; Autosomal recessive limb-girdle muscular dystrophy type 2J; Early-onset myopathy with fatal cardiomyopathy; Hypertrophic cardiomyopathy 9. Last evaluated: 2021-07-29. Review status: criteria provided, single submitter. Criteria: ACMG Guidelines, 2015. Collection method: clinical testing. Allele origin: unknown.

Revvity Omics, Revvity
Classification: Uncertain significance. Last evaluated: 2019-04-10. Review status: criteria provided, single submitter. Criteria: ACMG Guidelines, 2015. Collection method: clinical testing. Allele origin: germline.

Eurofins Ntd Llc (ga)
Classification: Uncertain significance. Last evaluated: 2017-11-08. Review status: criteria provided, single submitter. Criteria: EGL Classification Definitions 2015. Collection method: clinical testing. Allele origin: germline. Observed: 1 variant allele, 1 heterozygote.

NM_001267550.2(TTN):c.4310T>A (p.Met1437Lys)

Genes: TTN (titin; minus strand), LOC101927055 (uncharacterized LOC101927055; plus strand). Cytogenetic location: 2q31.2.
Variant type: single nucleotide variant.
Coding change: c.4310T>A on transcript NM_001267550.2 (MANE Select); coding-DNA position 4310, T replaced by A.
Protein change: p.Met1437Lys; replaces methionine 1437 with lysine.
Molecular consequence: missense variant. On other transcripts: non-coding transcript variant (1).
Genome position (GRCh38, 1-based): chr2:178,777,874, A>T on the plus strand (T>A on the coding strand, the complement: TTN is on the minus strand). VCF-style: chr2-178777874-A-T. GRCh37 (hg19) VCF-style: chr2-179642601-A-T.
Other names: c.4310T>A, p.Met1437Lys (NM_001256850.1, NM_133378.4, NM_133379.5); c.4172T>A, p.Met1391Lys (NM_003319.4, NM_133432.3, NM_133437.4); short protein forms M1437K, M1391K.
Identifiers: ClinVar variation 594832 (VCV000594832.11), dbSNP rs1018666766, ClinGen allele CA60978516.